The following is an entry in ClinVar:

ClinVar aggregate classification (germline): Uncertain significance (1 of 4 stars; one submission).

Conditions:
Paroxysmal nonkinesigenic dyskinesia. Also called: Paroxysmal non-kinesigenic dyskinesia. Identifiers: Orphanet 98810, MedGen C1869117, MONDO:0700088.

Submission:

Labcorp Genetics (formerly Invitae), Labcorp
Classification: Uncertain significance for Paroxysmal nonkinesigenic dyskinesia. Last evaluated: 2022-07-12. Review status: criteria provided, single submitter. Criteria: Invitae Variant Classification Sherloc (09022015). Collection method: clinical testing. Allele origin: germline.
Comment: In summary, the available evidence is currently insufficient to determine the role of this variant in disease. Therefore, it has been classified as a Variant of Uncertain Significance. Algorithms developed to predict the effect of missense changes on protein structure and function are either unavailable or do not agree on the potential impact of this missense change (SIFT: "Deleterious"; PolyPhen-2: "Benign"; Align-GVGD: "Class C0"). This variant has not been reported in the literature in individuals affected with PNKD-related conditions. This variant is not present in population databases (gnomAD no frequency). This sequence change replaces threonine, which is neutral and polar, with proline, which is neutral and non-polar, at codon 38 of the PNKD protein (p.Thr38Pro).

NM_015488.5(PNKD):c.112A>C (p.Thr38Pro)

Gene: PNKD (PNKD metallo-beta-lactamase domain containing; plus strand). Cytogenetic location: 2q35.
Variant type: single nucleotide variant.
Coding change: c.112A>C on transcript NM_015488.5 (MANE Select); coding-DNA position 112, A replaced by C.
Protein change: p.Thr38Pro; replaces threonine 38 with proline.
Molecular consequence: missense variant.
Genome position (GRCh38, 1-based): chr2:218,271,425, A>C. VCF-style: chr2-218271425-A-C. GRCh37 (hg19) VCF-style: chr2-219136148-A-C.
Other names: c.112A>C, p.Thr38Pro (NM_001077399.3); short protein forms T38P.
Identifiers: ClinVar variation 2038567 (VCV002038567.4), dbSNP rs1574615848, ClinGen allele CA350544632.